The following is an entry in ClinVar:

NM_001382391.1(CSPP1):c.511A>G (p.Ile171Val)

Gene: CSPP1 (centrosome and spindle pole associated protein 1; plus strand). Cytogenetic location: 8q13.1.
Variant type: single nucleotide variant.
Coding change: c.511A>G on transcript NM_001382391.1 (MANE Select); coding-DNA position 511, A replaced by G.
Protein change: p.Ile171Val; replaces isoleucine 171 with valine.
Molecular consequence: missense variant. On other transcripts: 5 prime UTR variant (1).
Genome position (GRCh38, 1-based): chr8:67,095,320, A>G. VCF-style: chr8-67095320-A-G. GRCh37 (hg19) VCF-style: chr8-68007555-A-G.
Other names: c.-345A>G (NM_001291339.2); c.430A>G, p.Ile144Val (NM_001363131.2, NM_001363133.2); c.511A>G, p.Ile171Val (NM_001363132.2); c.619A>G, p.Ile207Val (NM_001364869.1); c.538A>G, p.Ile180Val (NM_001364870.1, NM_024790.7); short protein forms I171V, I180V, I207V, I144V.
Identifiers: ClinVar variation 771077 (VCV000771077.14), dbSNP rs188917565, ClinGen allele CA4770314.

ClinVar aggregate classification (germline): Likely benign. Review status: criteria provided, multiple submitters, no conflicts (2 of 4 stars). 3 submissions from 3 submitters: Likely benign (2). 1 of the submissions does not count toward it. Last evaluated 2025-11-01.

Conditions:
CSPP1-related disorder. Also called: CSPP1-related condition.
Joubert syndrome 21 (JBTS21). Identifiers: MedGen C3810212, MONDO:0014288, OMIM 615636.

Allele frequency attached by ClinVar (database versions not stated): gnomAD exomes 0.00006 and 0.00025; gnomAD 0.00009 and 0.00014; TOPMed 0.00017; ExAC 0.00023; 1000 Genomes Project 0.00040; 1000 Genomes Project 30x 0.00078.
gnomAD v4.1: 103 of 1,573,526 alleles (0.0065%); highest among the groups gnomAD compares: East Asian, 0.22%; no homozygotes.

Submissions (3):

Labcorp Genetics (formerly Invitae), Labcorp
Classification: Likely benign for Joubert syndrome 21. Last evaluated: 2025-11-01. Review status: criteria provided, single submitter. Criteria: Invitae Variant Classification Sherloc (09022015). Collection method: clinical testing. Allele origin: germline.

Blueprint Genetics
Classification: Likely benign. Last evaluated: 2024-08-29. Review status: criteria provided, single submitter. Criteria: ACMG Guidelines, 2015. Collection method: clinical testing. Allele origin: germline.

PreventionGenetics, part of Exact Sciences
Classification: Likely benign for CSPP1-related condition. Last evaluated: 2022-03-06. Review status: no assertion criteria provided. Collection method: clinical testing. Allele origin: germline. Not counted in ClinVar's aggregate classification.
Comment: This variant is classified as likely benign based on ACMG/AMP sequence variant interpretation guidelines (Richards et al. 2015 PMID: 25741868, with internal and published modifications).